The following is an entry in ClinVar:

NM_001032386.2(SUOX):c.913G>A (p.Ala305Thr)

Gene: SUOX (sulfite oxidase; plus strand). Cytogenetic location: 12q13.2.
Variant type: single nucleotide variant.
Coding change: c.913G>A on transcript NM_001032386.2 (MANE Select); coding-DNA position 913, G replaced by A.
Protein change: p.Ala305Thr; replaces alanine 305 with threonine.
Molecular consequence: missense variant.
Genome position (GRCh38, 1-based): chr12:56,004,302, G>A. VCF-style: chr12-56004302-G-A. GRCh37 (hg19) VCF-style: chr12-56398086-G-A.
Other names: c.913G>A, p.Ala305Thr (NM_000456.3, NM_001032387.2); short protein forms A305T.
Identifiers: ClinVar variation 1427282 (VCV001427282.6), dbSNP rs1565799050, ClinGen allele CA385289311.

ClinVar aggregate classification (germline): Uncertain significance. Review status: criteria provided, multiple submitters, no conflicts (2 of 4 stars). 2 submissions from 2 submitters: Uncertain significance (2). Last evaluated 2024-10-07.

Conditions:
Sulfite oxidase deficiency. Also called: Isolated sulfite oxidase deficiency. Identifiers: Orphanet 833, Orphanet 99731, MedGen C0268624, MONDO:0010089, OMIM 272300, HP:0003643.

Allele frequency attached by ClinVar (database versions not stated): gnomAD exomes below 0.00001 and 0.00002; TOPMed 0.00001.
gnomAD v4.1: 12 of 1,614,098 alleles (0.00074%); highest among the groups gnomAD compares: Non-Finnish European, 0.00093%; no homozygotes.

Submissions (2):

Labcorp Genetics (formerly Invitae), Labcorp
Classification: Uncertain significance for Sulfite oxidase deficiency. Last evaluated: 2024-10-07. Review status: criteria provided, single submitter. Criteria: Invitae Variant Classification Sherloc (09022015). Collection method: clinical testing. Allele origin: germline.
Comment: This sequence change replaces alanine, which is neutral and non-polar, with threonine, which is neutral and polar, at codon 305 of the SUOX protein (p.Ala305Thr). This variant is not present in population databases (gnomAD no frequency). This variant has not been reported in the literature in individuals affected with SUOX-related conditions. ClinVar contains an entry for this variant (Variation ID: 1427282). Invitae Evidence Modeling of protein sequence and biophysical properties (such as structural, functional, and spatial information, amino acid conservation, physicochemical variation, residue mobility, and thermodynamic stability) indicates that this missense variant is expected to disrupt SUOX protein function with a positive predictive value of 80%. In summary, the available evidence is currently insufficient to determine the role of this variant in disease. Therefore, it has been classified as a Variant of Uncertain Significance.

Blueprint Genetics
Classification: Uncertain significance. Last evaluated: 2024-09-20. Review status: criteria provided, single submitter. Criteria: ACMG Guidelines, 2015. Collection method: clinical testing. Allele origin: germline.